The following is an entry in ClinVar:

NM_001876.4(CPT1A):c.1589T>C (p.Ile530Thr)

Gene: CPT1A (carnitine palmitoyltransferase 1A; minus strand). Cytogenetic location: 11q13.3.
Variant type: single nucleotide variant.
Coding change: c.1589T>C on transcript NM_001876.4 (MANE Select); coding-DNA position 1589, T replaced by C.
Protein change: p.Ile530Thr; replaces isoleucine 530 with threonine.
Molecular consequence: missense variant.
Genome position (GRCh38, 1-based): chr11:68,773,416, A>G on the plus strand (T>C on the coding strand, the complement: CPT1A is on the minus strand). VCF-style: chr11-68773416-A-G. GRCh37 (hg19) VCF-style: chr11-68540884-A-G.
Other names: c.1589T>C, p.Ile530Thr (NM_001031847.3); short protein forms I530T.
Identifiers: ClinVar variation 252594 (VCV000252594.4), dbSNP rs756076732, ClinGen allele CA6152253.

ClinVar aggregate classification (germline): Uncertain significance. Review status: criteria provided, multiple submitters, no conflicts (2 of 4 stars). 3 submissions from 3 submitters: Uncertain significance (3). Last evaluated 2026-02-12.

Conditions:
CPT1A-related disorder. Also called: CPT1A-related condition.
Inborn genetic diseases. Identifiers: MedGen C0950123, MeSH D030342.

Allele frequency attached by ClinVar (database versions not stated): ExAC 0.00002; gnomAD exomes 0.00002; TOPMed 0.00004; gnomAD 0.00005.
gnomAD v4.1: 41 of 1,613,906 alleles (0.0025%); highest among the groups gnomAD compares: Non-Finnish European, 0.0031%; no homozygotes.

Submissions (3):

PreventionGenetics, part of Exact Sciences
Classification: Uncertain significance for CPT1A-related condition. Last evaluated: 2026-02-12. Review status: criteria provided, single submitter. Criteria: ACMG Guidelines, 2015. Collection method: clinical testing. Allele origin: germline.
Comment: The CPT1A c.1589T>C variant is predicted to result in the amino acid substitution p.Ile530Thr. To our knowledge, this variant has not been reported in the literature. This variant is reported in 0.0040% of alleles in individuals of African descent in gnomAD. At this time, the clinical significance of this variant is uncertain due to the absence of conclusive functional and genetic evidence.

Ambry Genetics
Classification: Uncertain significance for Inborn genetic diseases. Last evaluated: 2024-11-10. Review status: criteria provided, single submitter. Criteria: Ambry Variant Classification Scheme 2023. Collection method: clinical testing. Allele origin: germline.

Genomic Diagnostic Laboratory, Division of Genomic Diagnostics, Children's Hospital of Philadelphia
Classification: Uncertain significance. Last evaluated: 2015-12-17. Review status: criteria provided, single submitter. Criteria: DGD Variant Analysis Guidelines. Collection method: clinical testing. Allele origin: unknown.